The following is an entry in ClinVar:

ClinVar aggregate classification (germline): Uncertain significance (1 of 4 stars; one submission).

Allele frequency attached by ClinVar (database versions not stated): TOPMed 0.00001.
gnomAD v4.1: 1 of 1,613,640 alleles (0.000062%); no homozygotes.

Submission:

Labcorp Genetics (formerly Invitae), Labcorp
Classification: Uncertain significance. Last evaluated: 2025-02-04. Review status: criteria provided, single submitter. Criteria: Invitae Variant Classification Sherloc (09022015). Collection method: clinical testing. Allele origin: germline.
Comment: This sequence change replaces lysine, which is basic and polar, with arginine, which is basic and polar, at codon 310 of the MMP14 protein (p.Lys310Arg). This variant is not present in population databases (gnomAD no frequency). This variant has not been reported in the literature in individuals affected with MMP14-related conditions. ClinVar contains an entry for this variant (Variation ID: 2906446). An algorithm developed to predict the effect of missense changes on protein structure and function outputs the following: PolyPhen-2: "Benign". The arginine amino acid residue is found in multiple mammalian species, which suggests that this missense change does not adversely affect protein function. Algorithms developed to predict the effect of sequence changes on RNA splicing suggest that this variant may create or strengthen a splice site. In summary, the available evidence is currently insufficient to determine the role of this variant in disease. Therefore, it has been classified as a Variant of Uncertain Significance.

NM_004995.4(MMP14):c.929A>G (p.Lys310Arg)

Gene: MMP14 (matrix metallopeptidase 14; plus strand). Cytogenetic location: 14q11.2.
Variant type: single nucleotide variant.
Coding change: c.929A>G on transcript NM_004995.4 (MANE Select); coding-DNA position 929, A replaced by G.
Protein change: p.Lys310Arg; replaces lysine 310 with arginine.
Molecular consequence: missense variant.
Genome position (GRCh38, 1-based): chr14:22,843,788, A>G. VCF-style: chr14-22843788-A-G. GRCh37 (hg19) VCF-style: chr14-23312997-A-G.
Other names: short protein forms K310R.
Identifiers: ClinVar variation 2906446 (VCV002906446.3), dbSNP rs920580303, ClinGen allele CA257747097.
Genomic context (GRCh38, chr14:22,843,788, plus strand): 5'-CCACCAAGATGCCCCCTCAACCCAGGACTACCTCCCGGCCTTCTGTTCCTGATAAACCCA[A>G]AAACCCCACCTATGGGCCCAACATCTGTGACGGGAACTTTGACACCGTGGCCATGCTCCG-3'
Protein context (NP_004986.1, residues 300-320): TSRPSVPDKP[Lys310Arg]NPTYGPNICD